The following is an entry in ClinVar:

NM_001199397.3(NEK1):c.1467T>G (p.Tyr489Ter)

Gene: NEK1 (NIMA related kinase 1; minus strand). Cytogenetic location: 4q33.
Variant type: single nucleotide variant.
Coding change: c.1467T>G on transcript NM_001199397.3 (MANE Select); coding-DNA position 1467, T replaced by G.
Protein change: p.Tyr489Ter; replaces tyrosine 489 with a stop codon.
Molecular consequence: nonsense. On other transcripts: non-coding transcript variant (1), intron variant (6).
Genome position (GRCh38, 1-based): chr4:169,555,815, A>C on the plus strand (T>G on the coding strand, the complement: NEK1 is on the minus strand). VCF-style: chr4-169555815-A-C. GRCh37 (hg19) VCF-style: chr4-170476966-A-C.
Other names: c.1467T>G, p.Tyr489Ter (NM_001374418.1, NM_001374419.1, NM_001440620.1 and 2 more transcripts); c.1416T>G, p.Tyr472Ter (NM_001374420.1); c.1341T>G, p.Tyr447Ter (NM_001374421.1); c.846T>G, p.Tyr282Ter (NM_001440624.1); c.809+117T>G (NM_001440625.1); c.1355+117T>G (NM_001199399.3); c.1430+117T>G (NM_001440623.1, NM_001440622.1, NM_001199398.3 and 1 more transcripts); short protein forms Y282*, Y447*, Y472*, Y489*.
Identifiers: ClinVar variation 4687928 (VCV004687928.1).

ClinVar aggregate classification (germline): Likely pathogenic (1 of 4 stars; one submission).

Conditions:
Amyotrophic lateral sclerosis, susceptibility to, 24. Identifiers: MedGen C4693523, MONDO:0054750, OMIM 617892.

Submission:

Human Genetics Bochum, Ruhr University Bochum
Classification: Likely pathogenic for Amyotrophic lateral sclerosis, susceptibility to, 24. Last evaluated: 2025-06-16. Review status: criteria provided, single submitter. Criteria: ACMG Guidelines, 2015. Collection method: clinical testing. Allele origin: germline. Affected: yes.
Comment: ACMG criteria used to clasify this variant: PVS1, PM2_SUP